The following is an entry in ClinVar:

NM_000263.4(NAGLU):c.1178G>A (p.Arg393His)

Gene: NAGLU (N-acetyl-alpha-glucosaminidase; plus strand). Cytogenetic location: 17q21.2.
Variant type: single nucleotide variant.
Coding change: c.1178G>A on transcript NM_000263.4 (MANE Select); coding-DNA position 1178, G replaced by A.
Protein change: p.Arg393His; replaces arginine 393 with histidine.
Molecular consequence: missense variant.
Genome position (GRCh38, 1-based): chr17:42,543,184, G>A. VCF-style: chr17-42543184-G-A. GRCh37 (hg19) VCF-style: chr17-40695202-G-A.
Other names: short protein forms R393H.
Identifiers: ClinVar variation 1414446 (VCV001414446.5), dbSNP rs753409259, ClinGen allele CA8576974.
Genomic context (GRCh38, chr17:42,543,184, plus strand): 5'-TGCCCCGTGGCCGCCTCCTGGTTCTGGACCTGTTTGCTGAGAGCCAGCCTGTGTATACCC[G>A]CACTGCCTCCTTCCAGGGCCAGCCCTTCATCTGGTGCATGCTGCACAACTTTGGGGGAAA-3'
Protein context (NP_000254.2, residues 383-403): LFAESQPVYT[Arg393His]TASFQGQPFI

ClinVar aggregate classification (germline): Uncertain significance (1 of 4 stars; one submission).

Conditions:
Mucopolysaccharidosis, MPS-III-B (MPS3B). Also called: N-ACETYL-ALPHA-D-GLUCOSAMINIDASE DEFICIENCY; NAGLU DEFICIENCY; SANFILIPPO SYNDROME B; MPS III B; MPS IIIB (Sanfilippo Syndrome Type B); MUCOPOLYSACCHARIDOSIS, TYPE IIIB. Identifiers: Orphanet 79270, MedGen C0086648, MONDO:0009656, OMIM 252920.
Charcot-Marie-Tooth disease axonal type 2V. Also called: CHARCOT-MARIE-TOOTH NEUROPATHY, TYPE 2V; CHARCOT-MARIE-TOOTH DISEASE, AXONAL, AUTOSOMAL DOMINANT, TYPE 2V. Identifiers: Orphanet 447964, MedGen C5569050, MONDO:0014665, OMIM 616491.

Allele frequency attached by ClinVar (database versions not stated): ExAC 0.00001; TOPMed 0.00002; gnomAD 0.00001.
gnomAD v4.1: 19 of 1,614,068 alleles (0.0012%); highest among the groups gnomAD compares: Admixed American, 0.0033%; no homozygotes.

Submission:

Labcorp Genetics (formerly Invitae), Labcorp
Classification: Uncertain significance for Charcot-Marie-Tooth disease axonal type 2V; Mucopolysaccharidosis, MPS-III-B. Last evaluated: 2021-09-07. Review status: criteria provided, single submitter. Criteria: Invitae Variant Classification Sherloc (09022015). Collection method: clinical testing. Allele origin: germline.
Comment: This sequence change replaces arginine with histidine at codon 393 of the NAGLU protein (p.Arg393His). The arginine residue is weakly conserved and there is a small physicochemical difference between arginine and histidine. This variant is present in population databases (rs753409259, ExAC 0.009%). This variant has not been reported in the literature in individuals affected with NAGLU-related conditions. Algorithms developed to predict the effect of missense changes on protein structure and function output the following: SIFT: "Tolerated"; PolyPhen-2: "Benign"; Align-GVGD: "Class C0". The histidine amino acid residue is found in multiple mammalian species, which suggests that this missense change does not adversely affect protein function. In summary, the available evidence is currently insufficient to determine the role of this variant in disease. Therefore, it has been classified as a Variant of Uncertain Significance.